The following is an entry in ClinVar:

ClinVar aggregate classification (germline): Uncertain significance. Review status: criteria provided, multiple submitters, no conflicts (2 of 4 stars). 2 submissions from 2 submitters: Uncertain significance (2). Last evaluated 2024-08-26.

Conditions:
Inborn genetic diseases. Identifiers: MedGen C0950123, MeSH D030342.

Allele frequency attached by ClinVar (database versions not stated): gnomAD exomes 0.00001; ExAC 0.00002; gnomAD 0.00002; TOPMed 0.00002.
gnomAD v4.1: 18 of 1,614,084 alleles (0.0011%); highest among the groups gnomAD compares: East Asian, 0.0022%; no homozygotes.

Submissions (2):

Ambry Genetics
Classification: Uncertain significance for Inborn genetic diseases. Last evaluated: 2024-08-26. Review status: criteria provided, single submitter. Criteria: Ambry Variant Classification Scheme 2023. Collection method: clinical testing. Allele origin: germline.

Labcorp Genetics (formerly Invitae), Labcorp
Classification: Uncertain significance. Last evaluated: 2022-04-16. Review status: criteria provided, single submitter. Criteria: Invitae Variant Classification Sherloc (09022015). Collection method: clinical testing. Allele origin: germline.
Comment: This sequence change replaces valine, which is neutral and non-polar, with isoleucine, which is neutral and non-polar, at codon 248 of the FLAD1 protein (p.Val248Ile). This variant is present in population databases (rs776606717, gnomAD 0.006%). This variant has not been reported in the literature in individuals affected with FLAD1-related conditions. Algorithms developed to predict the effect of missense changes on protein structure and function are either unavailable or do not agree on the potential impact of this missense change (SIFT: "Tolerated"; PolyPhen-2: "Possibly Damaging"; Align-GVGD: "Class C0"). In summary, the available evidence is currently insufficient to determine the role of this variant in disease. Therefore, it has been classified as a Variant of Uncertain Significance.

NM_025207.5(FLAD1):c.742G>A (p.Val248Ile)

Gene: FLAD1 (flavin adenine dinucleotide synthetase 1; plus strand). Cytogenetic location: 1q21.3.
Variant type: single nucleotide variant.
Coding change: c.742G>A on transcript NM_025207.5 (MANE Select); coding-DNA position 742, G replaced by A.
Protein change: p.Val248Ile; replaces valine 248 with isoleucine.
Molecular consequence: missense variant.
Genome position (GRCh38, 1-based): chr1:154,988,474, G>A. VCF-style: chr1-154988474-G-A. GRCh37 (hg19) VCF-style: chr1-154960950-G-A.
Other names: c.451G>A, p.Val151Ile (NM_001184891.2, NM_201398.3); c.445G>A, p.Val149Ile (NM_001184892.2); c.742G>A (NM_025207.4); short protein forms V149I, V151I, V248I.
Identifiers: ClinVar variation 1984089 (VCV001984089.2), dbSNP rs776606717, ClinGen allele CA1134387.
Genomic context (GRCh38, chr1:154,988,474, plus strand): 5'-CGCCTGCATTATGGCACAGATCCTTGCACTGGTCAACCTTTCAGATTCCCTCTGGTCTCC[G>A]TCCGAAACGTCTACCTCTTCCCAGGCATTCCAGAGCTGCTGCGGCGGGTGCTGGAGGGGA-3'
Protein context (NP_079483.3, residues 238-258): GQPFRFPLVS[Val248Ile]RNVYLFPGIP